The following is an entry in ClinVar:

ClinVar aggregate classification (germline): Uncertain significance. Review status: criteria provided, multiple submitters, no conflicts (2 of 4 stars). 2 submissions from 2 submitters: Uncertain significance (2). Last evaluated 2026-03-11.

Conditions:
Malignant hyperthermia, susceptibility to, 1 (MHS1). Also called: Malignant hyperthermia suceptibility 1; RYR1-Related Malignant Hyperthermia Susceptibility; Anesthesia related hyperthermia; Malignant hyperpyrexia; Fulminating hyperpyrexia; Pharmacogenic myopathy. Identifiers: Orphanet 423, MedGen C2930980, MONDO:0007783, OMIM 145600.

gnomAD v4.1: 1 of 1,613,838 alleles (0.000062%); highest among the groups gnomAD compares: Non-Finnish European, 0.000085%; no homozygotes.

Submissions (2):

GeneDx
Classification: Uncertain significance. Last evaluated: 2026-03-11. Review status: criteria provided, single submitter. Criteria: GeneDx Variant Classification Process June 2021. Collection method: clinical testing. Allele origin: germline.
Comment: Not observed at significant frequency in large population cohorts (gnomAD); In silico analysis supports that this missense variant has a deleterious effect on protein structure/function; Has not been previously published as pathogenic or benign to our knowledge

All of Us Research Program, National Institutes of Health
Classification: Uncertain significance for Malignant hyperthermia, susceptibility to, 1. Last evaluated: 2023-04-27. Review status: criteria provided, single submitter. Criteria: ACMG Guidelines, 2015. Collection method: clinical testing. Allele origin: germline. Inheritance: Autosomal dominant inheritance. Observed: 1 variant allele, 1 heterozygote.
Comment: This study involves interpretation of variants in research participants for the purpose of population health screening. Participant phenotype was not available at the time of variant classification. Additional details can be found in publication PMID: 35346344, PMCID: PMC8962531

NM_000540.3(RYR1):c.11791G>A (p.Asp3931Asn)

Gene: RYR1 (ryanodine receptor 1; plus strand). Cytogenetic location: 19q13.2.
Variant type: single nucleotide variant.
Coding change: c.11791G>A on transcript NM_000540.3 (MANE Select); coding-DNA position 11791, G replaced by A.
Protein change: p.Asp3931Asn; replaces aspartic acid 3931 with asparagine.
Molecular consequence: missense variant.
Genome position (GRCh38, 1-based): chr19:38,543,544, G>A. VCF-style: chr19-38543544-G-A. GRCh37 (hg19) VCF-style: chr19-39034184-G-A.
Other names: c.11776G>A, p.Asp3926Asn (NM_001042723.2); short protein forms D3926N, D3931N.
Identifiers: ClinVar variation 3070480 (VCV003070480.2), dbSNP rs2514576609, ClinGen allele CA405661639.